The following is an entry in ClinVar:

ClinVar aggregate classification (germline): Uncertain significance (1 of 4 stars; one submission).

Submission:

Labcorp Genetics (formerly Invitae), Labcorp
Classification: Uncertain significance. Last evaluated: 2022-08-06. Review status: criteria provided, single submitter. Criteria: Invitae Variant Classification Sherloc (09022015). Collection method: clinical testing. Allele origin: germline.
Comment: In summary, the available evidence is currently insufficient to determine the role of this variant in disease. Therefore, it has been classified as a Variant of Uncertain Significance. Variants that disrupt the consensus splice site are a relatively common cause of aberrant splicing (PMID: 17576681, 9536098). Algorithms developed to predict the effect of sequence changes on RNA splicing suggest that this variant may disrupt the consensus splice site. This variant has not been reported in the literature in individuals affected with TMPRSS15-related conditions. This variant is not present in population databases (gnomAD no frequency). This sequence change falls in intron 5 of the TMPRSS15 gene. It does not directly change the encoded amino acid sequence of the TMPRSS15 protein. It affects a nucleotide within the consensus splice site.

Literature cited by the submitters: PubMed 17576681; PubMed 9536098.

NM_002772.3(TMPRSS15):c.532+4A>C

Gene: TMPRSS15 (transmembrane serine protease 15; minus strand). Cytogenetic location: 21q21.1.
Variant type: single nucleotide variant.
Coding change: c.532+4A>C on transcript NM_002772.3 (MANE Select); 4 bases into the intron after coding-DNA position 532, A replaced by C.
Molecular consequence: intron variant.
Genome position (GRCh38, 1-based): chr21:18,379,279, T>G on the plus strand (A>C on the coding strand, the complement: TMPRSS15 is on the minus strand). VCF-style: chr21-18379279-T-G. GRCh37 (hg19) VCF-style: chr21-19751596-T-G.
Identifiers: ClinVar variation 2121339 (VCV002121339.4), dbSNP rs2516804041, ClinGen allele CA2580098528.